The following is an entry in ClinVar:

ClinVar aggregate classification (germline): Likely benign (0 of 4 stars; one submission).

Conditions:
MAPK8IP3-related disorder. Also called: MAPK8IP3-related condition.

Allele frequency attached by ClinVar (database versions not stated): gnomAD exomes 0.00004; ExAC 0.00009; gnomAD 0.00021; TOPMed 0.00022; 1000 Genomes Project 30x 0.00094; 1000 Genomes Project 0.00120.
gnomAD v4.1: 96 of 1,613,982 alleles (0.0059%); highest among the groups gnomAD compares: African/African-American, 0.087%; 1 homozygote.

Submission:

PreventionGenetics, part of Exact Sciences
Classification: Likely benign for MAPK8IP3-related condition. Last evaluated: 2022-05-06. Review status: no assertion criteria provided. Collection method: clinical testing. Allele origin: germline.
Comment: This variant is classified as likely benign based on ACMG/AMP sequence variant interpretation guidelines (Richards et al. 2015 PMID: 25741868, with internal and published modifications).

NM_001318852.2(MAPK8IP3):c.852C>T (p.Ala284=)

Gene: MAPK8IP3 (mitogen-activated protein kinase 8 interacting protein 3; plus strand). Cytogenetic location: 16p13.3.
Variant type: single nucleotide variant.
Coding change: c.852C>T on transcript NM_001318852.2 (MANE Select); coding-DNA position 852, C replaced by T.
Protein change: p.Ala284=; no amino-acid change (alanine 284 retained).
Molecular consequence: synonymous variant.
Genome position (GRCh38, 1-based): chr16:1,747,133, C>T. VCF-style: chr16-1747133-C-T. GRCh37 (hg19) VCF-style: chr16-1797134-C-T.
Other names: c.849C>T, p.Ala283= (NM_001040439.2, NM_015133.5, NM_033392.3).
Identifiers: ClinVar variation 3057524 (VCV003057524.2), dbSNP rs188900682, ClinGen allele CA7816514.